The following is an entry in ClinVar:

NM_144991.3(TSPEAR):c.1321G>C (p.Ala441Pro)

Gene: TSPEAR (thrombospondin type laminin G domain and EAR repeats; minus strand). Cytogenetic location: 21q22.3.
Variant type: single nucleotide variant.
Coding change: c.1321G>C on transcript NM_144991.3 (MANE Select); coding-DNA position 1321, G replaced by C.
Protein change: p.Ala441Pro; replaces alanine 441 with proline.
Molecular consequence: missense variant.
Genome position (GRCh38, 1-based): chr21:44,525,668, C>G on the plus strand (G>C on the coding strand, the complement: TSPEAR is on the minus strand). VCF-style: chr21-44525668-C-G. GRCh37 (hg19) VCF-style: chr21-45945551-C-G.
Other names: c.1117G>C, p.Ala373Pro (NM_001272037.2); short protein forms A373P, A441P.
Identifiers: ClinVar variation 2632997 (VCV002632997.1), dbSNP rs2517373909, ClinGen allele CA410439084.

ClinVar aggregate classification (germline): Uncertain significance (1 of 4 stars; one submission).

Conditions:
TSPEAR-related disorder. Also called: TSPEAR-related condition.

Submission:

PreventionGenetics, part of Exact Sciences
Classification: Uncertain significance for TSPEAR-related condition. Last evaluated: 2023-09-20. Review status: criteria provided, single submitter. Criteria: ACMG Guidelines, 2015. Collection method: clinical testing. Allele origin: germline.
Comment: The TSPEAR c.1321G>C variant is predicted to result in the amino acid substitution p.Ala441Pro. To our knowledge, this variant has not been reported in the literature or in a large population database, indicating this variant is rare. Although we suspect that this variant may be pathogenic, at this time, the clinical significance of this variant is uncertain due to the absence of conclusive functional and genetic evidence.